The following is an entry in ClinVar:

NM_007254.4(PNKP):c.20C>T (p.Pro7Leu)

Gene: PNKP (polynucleotide kinase 3'-phosphatase; minus strand). Cytogenetic location: 19q13.33.
Variant type: single nucleotide variant.
Coding change: c.20C>T on transcript NM_007254.4 (MANE Select); coding-DNA position 20, C replaced by T.
Protein change: p.Pro7Leu; replaces proline 7 with leucine.
Molecular consequence: missense variant.
Genome position (GRCh38, 1-based): chr19:49,867,185, G>A on the plus strand (C>T on the coding strand, the complement: PNKP is on the minus strand). VCF-style: chr19-49867185-G-A. GRCh37 (hg19) VCF-style: chr19-50370442-G-A.
Other names: short protein forms P7L.
Identifiers: ClinVar variation 1422284 (VCV001422284.6), dbSNP rs776442624, ClinGen allele CA9587106.

ClinVar aggregate classification (germline): Uncertain significance (1 of 4 stars; one submission).

Conditions:
Developmental and epileptic encephalopathy, 12 (DEE12). Identifiers: MedGen C3150988, MONDO:0013389, OMIM 613722.

Allele frequency attached by ClinVar (database versions not stated): TOPMed below 0.00001; gnomAD exomes 0.00001 and 0.00003; ExAC 0.00003.
gnomAD v4.1: 18 of 1,611,530 alleles (0.0011%); highest among the groups gnomAD compares: South Asian, 0.016%; no homozygotes.

Submission:

Labcorp Genetics (formerly Invitae), Labcorp
Classification: Uncertain significance for Developmental and epileptic encephalopathy, 12. Last evaluated: 2022-07-26. Review status: criteria provided, single submitter. Criteria: Invitae Variant Classification Sherloc (09022015). Collection method: clinical testing. Allele origin: germline.
Comment: Algorithms developed to predict the effect of missense changes on protein structure and function (SIFT, PolyPhen-2, Align-GVGD) all suggest that this variant is likely to be tolerated. This sequence change replaces proline, which is neutral and non-polar, with leucine, which is neutral and non-polar, at codon 7 of the PNKP protein (p.Pro7Leu). This variant is present in population databases (rs776442624, gnomAD 0.03%). This variant has not been reported in the literature in individuals affected with PNKP-related conditions. ClinVar contains an entry for this variant (Variation ID: 1422284). In summary, the available evidence is currently insufficient to determine the role of this variant in disease. Therefore, it has been classified as a Variant of Uncertain Significance.